The following is an entry in ClinVar:

NM_003742.4(ABCB11):c.1202C>G (p.Pro401Arg)

Gene: ABCB11 (ATP binding cassette subfamily B member 11; minus strand). Cytogenetic location: 2q31.1.
Variant type: single nucleotide variant.
Coding change: c.1202C>G on transcript NM_003742.4 (MANE Select); coding-DNA position 1202, C replaced by G.
Protein change: p.Pro401Arg; replaces proline 401 with arginine.
Molecular consequence: missense variant.
Genome position (GRCh38, 1-based): chr2:168,976,683, G>C on the plus strand (C>G on the coding strand, the complement: ABCB11 is on the minus strand). VCF-style: chr2-168976683-G-C. GRCh37 (hg19) VCF-style: chr2-169833193-G-C.
Other names: short protein forms P401R.
Identifiers: ClinVar variation 4846115 (VCV004846115.1).
Genomic context (GRCh38, chr2:168,976,683, plus strand): 5'-TCAATTTCACCCTTGATTCGATCCAACTTGTAACCATCTTCTGACATGCAGTCAATGATG[G>C]GTTTCTGGAGTGAAATACAAAAGGGACACAGTGTAAACTCAAACTAAGATGCACAACTCA-3'
Protein context (NP_003733.2, residues 391-411): TSIFETIDRK[Pro401Arg]IIDCMSEDGY

ClinVar aggregate classification (germline): Uncertain significance (1 of 4 stars; one submission).

Conditions:
Familial intrahepatic cholestasis. Identifiers: Orphanet 284385, MedGen CN296401, MONDO:0017290.

Submission:

Genomenon, Inc
Classification: Uncertain significance for Familial intrahepatic cholestasis. Last evaluated: 2026-04-14. Review status: criteria provided, single submitter. Criteria: Genomenon Sequence Variant Interpretation Standards - Updated. Collection method: curation. Allele origin: germline. Affected: yes.
Comment: ABCB11 p.Pro401Arg (c.1202C>G) is a missense variant that changes the amino acid at residue 401 from Proline to Arginine. This variant has been observed in at least one proband with an ABCB11-related disorder (PMID:37471416). It has been observed in trans with a pathogenic or likely pathogenic variant (PMID:37471416). It is absent or not present at a significant frequency in gnomAD. In silico models predict that this variant is possibly or probably damaging. In conclusion, we classify ABCB11 p.Pro401Arg (c.1202C>G) as a variant of uncertain significance.

Literature cited by the submitters: PubMed 37471416.